The following is an entry in ClinVar:

ClinVar aggregate classification (germline): Pathogenic. Review status: criteria provided, multiple submitters, no conflicts (2 of 4 stars). 17 submissions from 17 submitters: Pathogenic (14). 3 of the submissions do not count toward it. Last evaluated 2025-10-09.

Conditions:
VHL-related disorder. Also called: VHL-related condition.
Hereditary cancer-predisposing syndrome. Also called: Neoplastic Syndromes, Hereditary; Tumor predisposition; Hereditary Cancer Syndrome; Hereditary neoplastic syndrome. Identifiers: Orphanet 140162, MedGen C0027672, MeSH D009386, MONDO:0015356.
Von Hippel-Lindau syndrome (VHLS). Also called: VHL syndrome; von Hippel–Lindau syndrome; Von Hippel-Lindau. Identifiers: Orphanet 892, MedGen C0019562, MONDO:0008667, OMIM 193300. Disease mechanism: loss of function.
Chuvash polycythemia. Also called: POLYCYTHEMIA, VHL-DEPENDENT. Identifiers: Orphanet 238557, MedGen C1837915, MONDO:0009892, OMIM 263400.

Allele frequency attached by ClinVar (database versions not stated): gnomAD exomes 0.00001 and below 0.00001.
gnomAD v4.1: 1 of 1,600,092 alleles (0.000062%); highest among the groups gnomAD compares: Non-Finnish European, 0.000085%; no homozygotes.

Submissions 1 to 10 of 17:

PreventionGenetics, part of Exact Sciences
Classification: Pathogenic for VHL-related condition. Last evaluated: 2025-10-09. Review status: criteria provided, single submitter. Criteria: ACMG Guidelines, 2015. Collection method: clinical testing. Allele origin: germline.
Comment: The VHL c.292T>C variant is predicted to result in the amino acid substitution p.Tyr98His. This variant has previously been reported in multiple individuals with pheochromocytoma and Von Hippel-Lindau disease (Erlic et al. 2010. PubMed ID: 20660572; Boedeker et al. 2009. PubMed ID: 19336503; Huang et al. 2018. PubMed ID: 29625052; Nielsen et al. 2011. PubMed ID: 21204227). Functional studies have shown this variant impacts protein function (Hoffman et al. 2001. PubMed ID: 11331612; Knauth et al. 2006. PubMed ID: 16261165). This variant is reported in 3 of ~233,000 alleles in gnomAD and is interpreted as pathogenic in ClinVar (Variation ID: 2223). This variant is interpreted as pathogenic.

Labcorp Genetics (formerly Invitae), Labcorp
Classification: Pathogenic for Von Hippel-Lindau syndrome; Chuvash polycythemia. Last evaluated: 2025-10-07. Review status: criteria provided, single submitter. Criteria: Invitae Variant Classification Sherloc (09022015). Collection method: clinical testing. Allele origin: germline.
Comment: This sequence change replaces tyrosine, which is neutral and polar, with histidine, which is basic and polar, at codon 98 of the VHL protein (p.Tyr98His). This variant is present in population databases (rs5030809, gnomAD 0.002%). This missense change has been observed in individual(s) with clinical features of VHL-related conditions (PMID: 7728151, 7759077, 10408776, 11483638, 19336503, 19763184, 21204227). It has also been observed to segregate with disease in related individuals. ClinVar contains an entry for this variant (Variation ID: 2223). Invitae Evidence Modeling of protein sequence and biophysical properties (such as structural, functional, and spatial information, amino acid conservation, physicochemical variation, residue mobility, and thermodynamic stability) indicates that this missense variant is expected to disrupt VHL protein function with a positive predictive value of 95%. Experimental studies have shown that this missense change affects VHL function (PMID: 10878807, 11331612, 11331613, 12510195, 16261165, 23840444, 25371412). For these reasons, this variant has been classified as Pathogenic.

Color Diagnostics, LLC DBA Color Health
Classification: Pathogenic for Von Hippel-Lindau syndrome. Last evaluated: 2025-08-20. Review status: criteria provided, single submitter. Criteria: ACMG Guidelines, 2015. Collection method: clinical testing. Allele origin: germline.
Comment: This missense variant replaces tyrosine with histidine at codon 98 of the VHL protein. This variant is also known as 505T>C (p.Tyr169His) in the literature. Computational prediction suggests that this variant may have deleterious impact on protein structure and function. Functional studies have been reported to impact VHL, including its interaction with and affecting the ubiquitination of HIF-1/2alpha (PMID: 11331612, 16261165, 19602254, 23840444, 28052007). This variant has been reported as a founder mutation in southern Germany based on haplotype analysis (PMID: 7759077) and has been found to segregate with VHL-related features (PMID: 11709017). This variant has been reported in dozens of individuals and families affected with VHL (PMID: 7728151, 7759077, 11483638, 11709017, 31538058, 32869749, 34416425). This variant has been identified in 3/223372 chromosomes in the general population by the Genome Aggregation Database (gnomAD). Based on the available evidence, this variant is classified as Pathogenic.

Institute for Genomic Medicine (IGM) Clinical Laboratory, Nationwide Children's Hospital
Classification: Pathogenic for Von Hippel-Lindau syndrome. Last evaluated: 2025-08-01. Review status: criteria provided, single submitter. Criteria: ACMG Guidelines, 2015. Collection method: clinical testing. Allele origin: germline.
Comment: Well-established functional studies have demonstrated this variant to have a damaging effect on protein function or splicing (ACMG/AMP: PS3; PMIDs:11331613, 11331612, 21715564, 38969834). This variant has been reported at an elevated frequency in affected individuals/in multiple affected individuals in the literature (ACMG/AMP: PS4; PMIDs:7977367, 7728151, 7759077, 11709017, 21204227). This variant is located in a mutational hot spot and/or critical and well-established functional domain (ACMG/AMP: PM1; PMIDs:10205047, 35475554). This variant is absent from or present at an exceedingly low frequency in gnomAD, a large-scale control population database (ACMG/AMP: PM2). This variant has been shown to segregate with disease in multiple affected family members (ACMG/AMP: PP1_Strong; PMIDs:7759077, 11709017, 21204227). This variant is predicted to alter protein function or structure, or disrupt splicing by multiple in silico tools (ACMG/AMP: PP3).

Ambry Genetics
Classification: Pathogenic for Hereditary cancer-predisposing syndrome. Last evaluated: 2024-06-17. Review status: criteria provided, single submitter. Criteria: Ambry Variant Classification Scheme 2023. Collection method: clinical testing. Allele origin: germline.
Comment: The p.Y98H pathogenic mutation (also known as c.292T>C), located in coding exon 1 of the VHL gene, results from a T to C substitution at nucleotide position 292. The tyrosine at codon 98 is replaced by histidine, an amino acid with similar properties. This mutation has been reported in numerous VHL families in the literature (Crossey PA et al. Hum Mol Genet. 1994 Aug;3:1303-8; Neumann HP et al. N Engl J Med. 2002 May;346:1459-66; Gallou C et al. Hum. Mutat. 2004 Sep;24:215-24; Boedeker CC et al. J. Clin. Endocrinol. Metab. 2009 Jun;94:1938-44; Erlic Z et al. Endocr Relat Cancer. 2010 Dec;17:875-83; Nielsen SM et al. Am J Med Genet A. 2011 Jan;155A:168-73; Klingler JH et al. J Stroke Cerebrovasc Dis. 2013 May;22:437-43; Huang KL et al. Cell. 2018 04;173:355-370.e14; Liu P et al. Gland Surg, 2019 Aug;8:343-353). In addition, this mutation was shown to disrupt microtubule stabilization in vitro and has been noted to be associated with Type 2A VHL (Hergovich A et al. Nat Cell Biol. 2003;5(1):64-70; Bangiyeva V et al. BMC Cancer. 2009;9:229). Of note, this may be referred to as c.505T>A in some literature. Based on available evidence to date, this alteration is considered to be pathogenic.

Women's Health and Genetics/Laboratory Corporation of America, LabCorp
Classification: Pathogenic for Von Hippel-Lindau syndrome. Last evaluated: 2023-06-21. Review status: criteria provided, single submitter. Criteria: LabCorp Variant Classification Summary - May 2015. Collection method: clinical testing. Allele origin: germline.
Comment: Variant summary: VHL c.292T>C (p.Tyr98His) results in a conservative amino acid change located in the VHL beta/alpha domain (IPR022772) of the encoded protein sequence. Three of five in-silico tools predict a damaging effect of the variant on protein function. The variant allele was found at a frequency of 1.3e-05 in 223464 control chromosomes in gnomAD. c.292T>C has been reported in the literature in multiple individuals affected with Von Hippel-Lindau Syndrome, has been shown to segregate with disease, and has been considered a founder mutation in Black Forest region of Germany (example: Brauch_1995). At least one publication reports experimental evidence evaluating an impact on protein function. One of the most pronounced variant effects results in impaired binding with HIF protein (example: Couve_2014). These data indicate that the variant is very likely to be associated with disease. The following publications have been ascertained in the context of this evaluation (PMID: 7759077, 25371412). Twelve submitters have cited clinical-significance assessments for this variant to ClinVar after 2014 and all submitters have classified the variant as pathogenic. Based on the evidence outlined above, the variant was classified as pathogenic.

Myriad Genetics, Inc.
Classification: Pathogenic for Von Hippel-Lindau syndrome. Last evaluated: 2023-01-31. Review status: criteria provided, single submitter. Criteria: Myriad Autosomal Dominant, Autosomal Recessive and X-Linked Classification Criteria (2023). Collection method: clinical testing. Allele origin: unknown.
Comment: This variant is considered pathogenic. This variant has been reported in multiple individuals with clinical features of gene-specific disease [PMID: 11483638, 7759077, 34416425, 32869749, 31538058]. Functional studies indicate this variant impacts protein function [PMID: 28052007, 19602254, 16261165, 23840444, 11331612]. This variant is expected to disrupt protein structure [internal Myriad data].

MGZ Medical Genetics Center
Classification: Pathogenic for Von Hippel-Lindau syndrome. Last evaluated: 2022-04-20. Review status: criteria provided, single submitter. Criteria: ACMG Guidelines, 2015. Collection method: clinical testing. Allele origin: germline. Affected: yes. Observed: 1 variant allele.
Comment: ACMG criteria applied: PS3, PS4, PP1_STR, PM2_SUP, PP3

CeGaT Center for Human Genetics Tuebingen
Classification: Pathogenic. Last evaluated: 2022-02-01. Review status: criteria provided, single submitter. Criteria: CeGaT Center For Human Genetics Tuebingen Variant Classification Criteria Version 2. Collection method: clinical testing. Allele origin: germline. Affected: yes. Observed: 1 variant allele.

Johns Hopkins Genomics, Johns Hopkins University
Classification: Pathogenic for Von Hippel-Lindau syndrome. Last evaluated: 2020-03-31. Review status: criteria provided, single submitter. Criteria: ACMG Guidelines, 2015. Collection method: clinical testing. Allele origin: germline.

NM_000551.4(VHL):c.292T>C (p.Tyr98His)

Gene: VHL (von Hippel-Lindau tumor suppressor; plus strand). Cytogenetic location: 3p25.3.
Variant type: single nucleotide variant.
Coding change: c.292T>C on transcript NM_000551.4 (MANE Select); coding-DNA position 292, T replaced by C.
Protein change: p.Tyr98His; replaces tyrosine 98 with histidine.
Molecular consequence: missense variant.
Genome position (GRCh38, 1-based): chr3:10,142,139, T>C. VCF-style: chr3-10142139-T-C. GRCh37 (hg19) VCF-style: chr3-10183823-T-C.
Other names: c.292T>C, p.Tyr98His (NM_001354723.2, NM_198156.3); short protein forms Y98H.
Identifiers: ClinVar variation 2223 (VCV000002223.66), dbSNP rs5030809, ClinGen allele CA020246.